The following is an entry in ClinVar:

ClinVar aggregate classification (germline): Pathogenic (1 of 4 stars; one submission).

Conditions:
Hereditary pheochromocytoma and paraganglioma. Also called: Hereditary pheochromocytoma-paraganglioma; Hereditary paragangliomas and pheochromocytomas; Hereditary Paraganglioma-Pheochromocytoma Syndromes. Identifiers: Orphanet 29072, MedGen C4274332, MONDO:0017366.

Submission:

Labcorp Genetics (formerly Invitae), Labcorp
Classification: Pathogenic for Hereditary pheochromocytoma and paraganglioma. Last evaluated: 2022-10-02. Review status: criteria provided, single submitter. Criteria: Invitae Variant Classification Sherloc (09022015). Collection method: clinical testing. Allele origin: germline.
Comment: A gross deletion of the genomic region encompassing the full coding sequence of the TMEM127 gene has been identified. Loss-of-function variants in TMEM127 are known to be pathogenic (PMID: 20154675, 21156949). The boundaries of this event are unknown as they extend beyond the assayed region for this gene and therefore may encompass additional genes. This variant has not been reported in the literature in individuals affected with TMEM127-related conditions. For these reasons, this variant has been classified as Pathogenic.

Literature cited by the submitters: PubMed 20154675; PubMed 21156949.

NC_000002.12:g.(?_96253808)_(96265399_?)del

Gene: TMEM127 (transmembrane protein 127; minus strand). Cytogenetic location: 2q11.2.
Variant type: Deletion.
Identifiers: ClinVar variation 832384 (VCV000832384.2).